The following is an entry in ClinVar:

ClinVar aggregate classification (germline): Pathogenic. Review status: criteria provided, multiple submitters, no conflicts (2 of 4 stars). 4 submissions from 4 submitters: Pathogenic (4). Last evaluated 2025-08-06.

Conditions:
BEST1-related disorder. Also called: BEST1-related condition; BEST1-related disorders. Identifiers: MedGen CN239200.

Allele frequency attached by ClinVar (database versions not stated): gnomAD exomes 0.00001; TOPMed 0.00001; ExAC 0.00002.

Submissions (4):

PreventionGenetics, part of Exact Sciences
Classification: Pathogenic for BEST1-related condition. Last evaluated: 2025-08-06. Review status: criteria provided, single submitter. Criteria: ACMG Guidelines, 2015. Collection method: clinical testing. Allele origin: germline.
Comment: The BEST1 c.860G>A variant is predicted to result in premature protein termination (p.Trp287*). This variant has been reported in patients with BEST1 related retinal disorders, with at least one individual reported to be compound heterozygous for two BEST1 variants suggesting this variant may be associated with autosomal recessive inheritance (Downs et al. 2007. PubMed ID: 17296903; Tian et al. 2017. PubMed ID: 28687848; Yang et al. 2022. PubMed ID: 36378562 ; Zhang et al. 2022. PubMed ID: 36457741 ). This variant is reported in 0.0026% of alleles in individuals of European (Non-Finnish) descent in gnomAD. Nonsense variants in BEST1 are expected to be pathogenic. This variant is interpreted as pathogenic.

Labcorp Genetics (formerly Invitae), Labcorp
Classification: Pathogenic. Last evaluated: 2025-03-17. Review status: criteria provided, single submitter. Criteria: Invitae Variant Classification Sherloc (09022015). Collection method: clinical testing. Allele origin: germline.
Comment: This sequence change creates a premature translational stop signal (p.Trp287*) in the BEST1 gene. It is expected to result in an absent or disrupted protein product. Loss-of-function variants in BEST1 are known to be pathogenic (PMID: 21825197). This variant is present in population databases (rs753334817, gnomAD 0.003%). This premature translational stop signal has been observed in individual(s) with clinical features of autosomal recessive bestrophinopathy (PMID: 21809908, 25489231, 28687848). In at least one individual the data is consistent with being in trans (on the opposite chromosome) from a pathogenic variant. This variant is also known as W287X and Trp287Ter. ClinVar contains an entry for this variant (Variation ID: 1457855). For these reasons, this variant has been classified as Pathogenic.

GeneDx
Classification: Pathogenic. Last evaluated: 2022-01-12. Review status: criteria provided, single submitter. Criteria: GeneDx Variant Classification Process June 2021. Collection method: clinical testing. Allele origin: germline. Affected: yes.
Comment: Nonsense variant predicted to result in protein truncation or nonsense mediated decay in a gene for which loss-of-function is a known mechanism of disease; Not observed at significant frequency in large population cohorts (gnomAD); This variant is associated with the following publications: (PMID: 25525159, 17296903, 21809908, 28687848)

Blueprint Genetics
Classification: Pathogenic for BEST1-related disorders. Last evaluated: 2019-11-08. Review status: criteria provided, single submitter. Criteria: ACMG Guidelines, 2015. Collection method: clinical testing. Allele origin: germline. Affected: yes. Observed: 2 variant alleles.

Literature cited by the submitters: PubMed 21825197 (cited by Labcorp Genetics (formerly Invitae), Labcorp); PubMed 21809908 (cited by Labcorp Genetics (formerly Invitae), Labcorp); PubMed 25489231 (cited by Labcorp Genetics (formerly Invitae), Labcorp); PubMed 28687848 (cited by Labcorp Genetics (formerly Invitae), Labcorp).

NM_004183.4(BEST1):c.860G>A (p.Trp287Ter)

Gene: BEST1 (bestrophin 1; plus strand). Cytogenetic location: 11q12.3.
Variant type: single nucleotide variant.
Coding change: c.860G>A on transcript NM_004183.4 (MANE Select); coding-DNA position 860, G replaced by A.
Protein change: p.Trp287Ter; replaces tryptophan 287 with a stop codon.
Molecular consequence: nonsense. On other transcripts: non-coding transcript variant (1).
Genome position (GRCh38, 1-based): chr11:61,958,291, G>A. VCF-style: chr11-61958291-G-A. GRCh37 (hg19) VCF-style: chr11-61725763-G-A.
Other names: c.680G>A, p.Trp227Ter (NM_001139443.3, NM_001300786.2, NM_001300787.2); c.542G>A, p.Trp181Ter (NM_001363591.3); c.860G>A, p.Trp287Ter (NM_001363592.2); c.-316G>A (NM_001363593.3); short protein forms W227*, W181*, W287*.
Identifiers: ClinVar variation 1457855 (VCV001457855.10), dbSNP rs753334817, ClinGen allele CA6040870.